The following is an entry in ClinVar:

ClinVar aggregate classification (germline): Uncertain significance. Review status: criteria provided, multiple submitters, no conflicts (2 of 4 stars). 3 submissions from 3 submitters: Uncertain significance (3). Last evaluated 2024-09-27.

Conditions:
Wilson disease (WND). Also called: Wilson's disease. Identifiers: Orphanet 905, MedGen C0019202, MONDO:0010200, OMIM 277900. Disease mechanism: loss of function.

Allele frequency attached by ClinVar (database versions not stated): gnomAD exomes 0.00001; ExAC 0.00002; TOPMed 0.00008; gnomAD 0.00009.
gnomAD v4.1: 28 of 1,614,002 alleles (0.0017%); highest among the groups gnomAD compares: African/African-American, 0.028%; no homozygotes.

Submissions (3):

All of Us Research Program, National Institutes of Health
Classification: Uncertain significance for Wilson disease. Last evaluated: 2024-09-27. Review status: criteria provided, single submitter. Criteria: ACMG Guidelines, 2015. Collection method: clinical testing. Allele origin: germline. Inheritance: Autosomal recessive inheritance. Observed: 11 variant alleles, 11 heterozygotes.
Comment: This missense variant replaces proline with serine at codon 320 of the ATP7B protein. Computational prediction is inconclusive regarding the impact of this variant on protein structure and function (internally defined REVEL score threshold 0.5 < inconclusive < 0.7, PMID: 27666373). To our knowledge, functional studies have not been reported for this variant. This variant has not been reported in individuals affected with ATP7B-related disorders in the literature. This variant has been identified in 10/280734 chromosomes in the general population by the Genome Aggregation Database (gnomAD). The available evidence is insufficient to determine the role of this variant in disease conclusively. Therefore, this variant is classified as a Variant of Uncertain Significance.

This study involves interpretation of variants in research participants for the purpose of population health screening. Participant phenotype was not available at the time of variant classification. Additional details can be found in publication PMID: 35346344, PMCID: PMC8962531

Color Diagnostics, LLC DBA Color Health
Classification: Uncertain significance for Wilson disease. Last evaluated: 2022-12-15. Review status: criteria provided, single submitter. Criteria: ACMG Guidelines, 2015. Collection method: clinical testing. Allele origin: germline.
Comment: This missense variant replaces proline with serine at codon 320 of the ATP7B protein. Computational prediction is inconclusive regarding the impact of this variant on protein structure and function. To our knowledge, functional studies have not been reported for this variant. This variant has not been reported in individuals affected with ATP7B-related disorders in the literature. This variant has been identified in 10/280734 chromosomes in the general population by the Genome Aggregation Database (gnomAD). The available evidence is insufficient to determine the role of this variant in disease conclusively. Therefore, this variant is classified as a Variant of Uncertain Significance.

Labcorp Genetics (formerly Invitae), Labcorp
Classification: Uncertain significance for Wilson disease. Last evaluated: 2022-08-21. Review status: criteria provided, single submitter. Criteria: Invitae Variant Classification Sherloc (09022015). Collection method: clinical testing. Allele origin: germline.
Comment: This sequence change replaces proline, which is neutral and non-polar, with serine, which is neutral and polar, at codon 320 of the ATP7B protein (p.Pro320Ser). This variant is present in population databases (rs757954681, gnomAD 0.03%). This variant has not been reported in the literature in individuals affected with ATP7B-related conditions. Algorithms developed to predict the effect of missense changes on protein structure and function are either unavailable or do not agree on the potential impact of this missense change (SIFT: "Tolerated"; PolyPhen-2: "Probably Damaging"; Align-GVGD: "Class C0"). In summary, the available evidence is currently insufficient to determine the role of this variant in disease. Therefore, it has been classified as a Variant of Uncertain Significance.

NM_000053.4(ATP7B):c.958C>T (p.Pro320Ser)

Gene: ATP7B (ATPase copper transporting beta; minus strand). Cytogenetic location: 13q14.3.
Variant type: single nucleotide variant.
Coding change: c.958C>T on transcript NM_000053.4 (MANE Select); coding-DNA position 958, C replaced by T.
Protein change: p.Pro320Ser; replaces proline 320 with serine.
Molecular consequence: missense variant. On other transcripts: intron variant (1).
Genome position (GRCh38, 1-based): chr13:51,974,262, G>A on the plus strand (C>T on the coding strand, the complement: ATP7B is on the minus strand). VCF-style: chr13-51974262-G-A. GRCh37 (hg19) VCF-style: chr13-52548398-G-A.
Other names: c.958C>T, p.Pro320Ser (NM_001005918.3, NM_001330578.2, NM_001330579.2 and 29 more transcripts); c.862C>T, p.Pro288Ser (NM_001406517.1, NM_001406518.1, NM_001406530.1 and 3 more transcripts); c.802+156C>T (NM_001243182.2); short protein forms P288S, P320S.
Identifiers: ClinVar variation 2154680 (VCV002154680.4), dbSNP rs757954681, ClinGen allele CA6989465.